The following is an entry in ClinVar:

NM_138704.4(NSMCE3):c.143dup (p.Ser49fs)

Genes: NSMCE3 (NSE3 component of SMC5/6 complex; minus strand), ENTREP2 (endosomal transmembrane epsin interactor 2; minus strand). Cytogenetic location: 15q13.1.
Variant type: Duplication.
Coding change: c.143dup on transcript NM_138704.4 (MANE Select); coding-DNA position 143, one base duplicated (C; older notation c.143dupC).
Protein change: p.Ser49fs; shifts the reading frame from serine 49.
Molecular consequence: frameshift variant. On other transcripts: intron variant (5).
Genome position (GRCh38, 1-based): chr15:29,269,563, G duplicated on the plus strand (C on the coding strand, the reverse complement: NSMCE3 is on the minus strand); the first of 4 consecutive G bases (chr15:29,269,563-29,269,566); duplicating any one gives the same sequence. VCF-style (leftmost placement, unchanged base first): chr15-29269562-C-CG. GRCh37 (hg19) VCF-style: chr15-29561766-C-CG.
Other names: c.-12-17085dup (NM_001387217.1, NM_001387215.1, NM_001387216.1); c.277-17085dup (NM_001387214.1, NM_015307.2); short protein forms S49fs.
Identifiers: ClinVar variation 2126675 (VCV002126675.4), dbSNP rs2043565167, ClinGen allele CA968135750.

ClinVar aggregate classification (germline): Uncertain significance (1 of 4 stars; one submission).

Submission:

Labcorp Genetics (formerly Invitae), Labcorp
Classification: Uncertain significance. Last evaluated: 2022-04-16. Review status: criteria provided, single submitter. Criteria: Invitae Variant Classification Sherloc (09022015). Collection method: clinical testing. Allele origin: germline.
Comment: In summary, the available evidence is currently insufficient to determine the role of this variant in disease. Therefore, it has been classified as a Variant of Uncertain Significance. Experimental studies and prediction algorithms are not available or were not evaluated, and the functional significance of this variant is currently unknown. This variant has not been reported in the literature in individuals affected with NSMCE3-related conditions. This variant is not present in population databases (gnomAD no frequency). This sequence change creates a premature translational stop signal (p.Ser49Glufs*51) in the NSMCE3 gene. While this is not anticipated to result in nonsense mediated decay, it is expected to disrupt the last 256 amino acid(s) of the NSMCE3 protein.